The following is an entry in ClinVar:

NM_014714.4(IFT140):c.2035G>A (p.Gly679Arg)

Gene: IFT140 (intraflagellar transport 140; minus strand). Cytogenetic location: 16p13.3.
Variant type: single nucleotide variant.
Coding change: c.2035G>A on transcript NM_014714.4 (MANE Select); coding-DNA position 2035, G replaced by A.
Protein change: p.Gly679Arg; replaces glycine 679 with arginine.
Molecular consequence: missense variant.
Genome position (GRCh38, 1-based): chr16:1,564,029, C>T on the plus strand (G>A on the coding strand, the complement: IFT140 is on the minus strand). VCF-style: chr16-1564029-C-T. GRCh37 (hg19) VCF-style: chr16-1614030-C-T.
Other names: c.2035G>A (NM_014714.3); short protein forms G679R.
Identifiers: ClinVar variation 1041995 (VCV001041995.10), dbSNP rs769632242, ClinGen allele CA7814043.

ClinVar aggregate classification (germline): Uncertain significance. Review status: criteria provided, multiple submitters, no conflicts (2 of 4 stars). 4 submissions from 4 submitters: Uncertain significance (4). Last evaluated 2025-11-24.

Conditions:
Inborn genetic diseases. Identifiers: MedGen C0950123, MeSH D030342.
IFT140-related disorder. Also called: IFT140-related condition.
Saldino-Mainzer syndrome (SRTD9). Also called: SHORT-RIB THORACIC DYSPLASIA 9 WITHOUT POLYDACTYLY; CONORENAL SYNDROME; short-rib thoracic dysplasia 9 with or without polydactyly; Renal dysplasia, retinal pigmentary dystrophy, cerebellar ataxia and skeletal dysplasia. Identifiers: Orphanet 140969, MedGen C1849437, MONDO:0009964, OMIM 266920.
Retinitis pigmentosa 80 (RP80). Identifiers: MedGen C4540439, MONDO:0054708, OMIM 617781.

Allele frequency attached by ClinVar (database versions not stated): TOPMed below 0.00001; gnomAD exomes 0.00001 and 0.00003; ExAC 0.00005.

Submissions (4):

PreventionGenetics, part of Exact Sciences
Classification: Uncertain significance for IFT140-related condition. Last evaluated: 2025-11-24. Review status: criteria provided, single submitter. Criteria: ACMG Guidelines, 2015. Collection method: clinical testing. Allele origin: germline.
Comment: The IFT140 c.2035G>A variant is predicted to result in the amino acid substitution p.Gly679Arg. To our knowledge, this variant has not been reported in the literature. This variant is reported in 0.0053% of alleles in individuals of European (Non-Finnish) descent in gnomAD. At this time, the clinical significance of this variant is uncertain due to the absence of conclusive functional and genetic evidence.

Labcorp Genetics (formerly Invitae), Labcorp
Classification: Uncertain significance for Saldino-Mainzer syndrome. Last evaluated: 2025-07-27. Review status: criteria provided, single submitter. Criteria: Invitae Variant Classification Sherloc (09022015). Collection method: clinical testing. Allele origin: germline.
Comment: This sequence change replaces glycine, which is neutral and non-polar, with arginine, which is basic and polar, at codon 679 of the IFT140 protein (p.Gly679Arg). This variant is present in population databases (rs769632242, gnomAD 0.005%). This variant has not been reported in the literature in individuals affected with IFT140-related conditions. ClinVar contains an entry for this variant (Variation ID: 1041995). Invitae Evidence Modeling of protein sequence and biophysical properties (such as structural, functional, and spatial information, amino acid conservation, physicochemical variation, residue mobility, and thermodynamic stability) indicates that this missense variant is not expected to disrupt IFT140 protein function with a negative predictive value of 95%. In summary, the available evidence is currently insufficient to determine the role of this variant in disease. Therefore, it has been classified as a Variant of Uncertain Significance.

Ambry Genetics
Classification: Uncertain significance for Inborn genetic diseases. Last evaluated: 2024-08-01. Review status: criteria provided, single submitter. Criteria: Ambry Variant Classification Scheme 2023. Collection method: clinical testing. Allele origin: germline.

Fulgent Genetics
Classification: Uncertain significance for Saldino-Mainzer syndrome; Retinitis pigmentosa 80. Last evaluated: 2021-07-22. Review status: criteria provided, single submitter. Criteria: ACMG Guidelines, 2015. Collection method: clinical testing. Allele origin: unknown.